The following is an entry in ClinVar:

ClinVar aggregate classification (germline): Uncertain significance (1 of 4 stars; one submission).

gnomAD v4.1: 14 of 1,609,760 alleles (0.00087%); highest among the groups gnomAD compares: Non-Finnish European, 0.0012%; no homozygotes.

Submission:

GeneDx
Classification: Uncertain significance. Last evaluated: 2025-10-07. Review status: criteria provided, single submitter. Criteria: GeneDx Variant Classification Process June 2021. Collection method: clinical testing. Allele origin: germline. Affected: yes.
Comment: Not observed at significant frequency in large population cohorts (gnomAD); In silico analysis supports that this missense variant has a deleterious effect on protein structure/function; Has not been previously published as pathogenic or benign to our knowledge

NM_014727.3(KMT2B):c.1694C>T (p.Pro565Leu)

Gene: KMT2B (lysine methyltransferase 2B; plus strand). Cytogenetic location: 19q13.12.
Variant type: single nucleotide variant.
Coding change: c.1694C>T on transcript NM_014727.3 (MANE Select); coding-DNA position 1694, C replaced by T.
Protein change: p.Pro565Leu; replaces proline 565 with leucine.
Molecular consequence: missense variant.
Genome position (GRCh38, 1-based): chr19:35,721,041, C>T. VCF-style: chr19-35721041-C-T. GRCh37 (hg19) VCF-style: chr19-36211943-C-T.
Other names: short protein forms P565L.
Identifiers: ClinVar variation 2504231 (VCV002504231.3), dbSNP rs1314189710, ClinGen allele CA405393125.